The following is an entry in ClinVar:

NM_005267.5(GJA8):c.196T>C (p.Tyr66His)

Gene: GJA8 (gap junction protein alpha 8; plus strand). Cytogenetic location: 1q21.2.
Variant type: single nucleotide variant.
Coding change: c.196T>C on transcript NM_005267.5 (MANE Select); coding-DNA position 196, T replaced by C.
Protein change: p.Tyr66His; replaces tyrosine 66 with histidine.
Molecular consequence: missense variant.
Genome position (GRCh38, 1-based): chr1:147,908,151, T>C. VCF-style: chr1-147908151-T-C. GRCh37 (hg19) VCF-style: chr1-147380278-T-C.
Other names: short protein forms Y66H.
Identifiers: ClinVar variation 655801 (VCV000655801.10), dbSNP rs1571175950, ClinGen allele CA342223488.

ClinVar aggregate classification (germline): Pathogenic (1 of 4 stars; one submission).

Conditions:
Cataract 1 multiple types. Also called: CATARACT, DUFFY-LINKED; CATARACT 1, POSTERIOR SUBCAPSULAR, WITH MICROCORNEA; CATARACT 1, STELLATE NUCLEAR, WITH MICROCORNEA; CATARACT 1, MULTIPLE TYPES, WITH OR WITHOUT MICROCORNEA; CATARACT 1, NUCLEAR PROGRESSIVE; CATARACT 1 WITH MICROCORNEA. Identifiers: Orphanet 1377, MedGen C1861828, MONDO:0007285, OMIM 116200.

Submission:

Labcorp Genetics (formerly Invitae), Labcorp
Classification: Pathogenic for Cataract 1 multiple types. Last evaluated: 2025-10-27. Review status: criteria provided, single submitter. Criteria: Invitae Variant Classification Sherloc (09022015). Collection method: clinical testing. Allele origin: germline.
Comment: This sequence change replaces tyrosine, which is neutral and polar, with histidine, which is basic and polar, at codon 66 of the GJA8 protein (p.Tyr66His). This variant is not present in population databases (gnomAD no frequency). This missense change has been observed in individual(s) with autosomal dominant congenital cataracts (internal data). It has also been observed to segregate with disease in related individuals. ClinVar contains an entry for this variant (Variation ID: 655801). Invitae Evidence Modeling of protein sequence and biophysical properties (such as structural, functional, and spatial information, amino acid conservation, physicochemical variation, residue mobility, and thermodynamic stability) indicates that this missense variant is expected to disrupt GJA8 protein function with a positive predictive value of 95%. This variant disrupts the p.Tyr66 amino acid residue in GJA8. Other variant(s) that disrupt this residue have been determined to be pathogenic (internal data). This suggests that this residue is clinically significant, and that variants that disrupt this residue are likely to be disease-causing. For these reasons, this variant has been classified as Pathogenic.